The following is an entry in ClinVar:

NM_000051.4(ATM):c.6818G>C (p.Arg2273Thr)

Genes: ATM (ATM serine/threonine kinase; plus strand), C11orf65 (chromosome 11 open reading frame 65; minus strand). Cytogenetic location: 11q22.3.
Variant type: single nucleotide variant.
Coding change: c.6818G>C on transcript NM_000051.4 (MANE Select); coding-DNA position 6818, G replaced by C.
Protein change: p.Arg2273Thr; replaces arginine 2273 with threonine.
Molecular consequence: missense variant. On other transcripts: intron variant (2).
Genome position (GRCh38, 1-based): chr11:108,326,068, G>C. VCF-style: chr11-108326068-G-C. GRCh37 (hg19) VCF-style: chr11-108196795-G-C.
Other names: c.6818G>C, p.Arg2273Thr (NM_001351834.2); c.641-16997C>G (NM_001330368.2); c.*38+9152C>G (NM_001351110.2); short protein forms R2273T.
Identifiers: ClinVar variation 4747246 (VCV004747246.1).

ClinVar aggregate classification (germline): Uncertain significance (1 of 4 stars; one submission).

Conditions:
Ataxia-telangiectasia syndrome (AT). Also called: LOUIS-BAR SYNDROME; Cerebello-oculocutaneous telangiectasia; Immunodeficiency with ataxia telangiectasia; Ataxia-telangiectasia, complementation group D; AT, COMPLEMENTATION GROUP C; ATAXIA-TELANGIECTASIA, COMPLEMENTATION GROUP A. Identifiers: Orphanet 100, MedGen C0004135, MONDO:0008840, OMIM 208900.

Submission:

Labcorp Genetics (formerly Invitae), Labcorp
Classification: Uncertain significance for Ataxia-telangiectasia syndrome. Last evaluated: 2025-12-15. Review status: criteria provided, single submitter. Criteria: Invitae Variant Classification Sherloc (09022015). Collection method: clinical testing. Allele origin: germline.
Comment: This sequence change replaces arginine, which is basic and polar, with threonine, which is neutral and polar, at codon 2273 of the ATM protein (p.Arg2273Thr). This variant is not present in population databases (gnomAD no frequency). This variant has not been reported in the literature in individuals affected with ATM-related conditions. Invitae Evidence Modeling of protein sequence and biophysical properties (such as structural, functional, and spatial information, amino acid conservation, physicochemical variation, residue mobility, and thermodynamic stability) indicates that this missense variant is not expected to disrupt ATM protein function with a negative predictive value of 95%. In summary, the available evidence is currently insufficient to determine the role of this variant in disease. Therefore, it has been classified as a Variant of Uncertain Significance.